The following is an entry in ClinVar:

ClinVar aggregate classification (germline): Uncertain significance (1 of 4 stars; one submission).

Allele frequency attached by ClinVar (database versions not stated): gnomAD exomes below 0.00001; ExAC 0.00010.
gnomAD v4.1: 3 of 1,477,514 alleles (0.0002%); highest among the groups gnomAD compares: South Asian, 0.0013%; no homozygotes.

Submission:

Labcorp Genetics (formerly Invitae), Labcorp
Classification: Uncertain significance. Last evaluated: 2023-03-18. Review status: criteria provided, single submitter. Criteria: Invitae Variant Classification Sherloc (09022015). Collection method: clinical testing. Allele origin: germline.
Comment: This sequence change replaces leucine, which is neutral and non-polar, with valine, which is neutral and non-polar, at codon 16 of the COL4A1 protein (p.Leu16Val). This variant is present in population databases (rs758399067, gnomAD 0.006%). This variant has not been reported in the literature in individuals affected with COL4A1-related conditions. ClinVar contains an entry for this variant (Variation ID: 2144642). Advanced modeling of protein sequence and biophysical properties (such as structural, functional, and spatial information, amino acid conservation, physicochemical variation, residue mobility, and thermodynamic stability) performed at Invitae indicates that this missense variant is not expected to disrupt COL4A1 protein function. In summary, the available evidence is currently insufficient to determine the role of this variant in disease. Therefore, it has been classified as a Variant of Uncertain Significance.

NM_001845.6(COL4A1):c.46C>G (p.Leu16Val)

Gene: COL4A1 (collagen type IV alpha 1 chain; minus strand). Cytogenetic location: 13q34.
Variant type: single nucleotide variant.
Coding change: c.46C>G on transcript NM_001845.6 (MANE Select); coding-DNA position 46, C replaced by G.
Protein change: p.Leu16Val; replaces leucine 16 with valine.
Molecular consequence: missense variant.
Genome position (GRCh38, 1-based): chr13:110,306,982, G>C on the plus strand (C>G on the coding strand, the complement: COL4A1 is on the minus strand). VCF-style: chr13-110306982-G-C. GRCh37 (hg19) VCF-style: chr13-110959329-G-C.
Other names: c.46C>G, p.Leu16Val (NM_001303110.2); short protein forms L16V.
Identifiers: ClinVar variation 2144642 (VCV002144642.4), dbSNP rs758399067, ClinGen allele CA7048687.